The following is an entry in ClinVar:

ClinVar aggregate classification (germline): Likely benign (1 of 4 stars; one submission).

Submission:

GeneDx
Classification: Likely benign. Last evaluated: 2017-03-20. Review status: criteria provided, single submitter. Criteria: GeneDx Variant Classification (06012015). Collection method: clinical testing. Allele origin: germline. Affected: yes.
Comment: This variant is considered likely benign or benign based on one or more of the following criteria: it is a conservative change, it occurs at a poorly conserved position in the protein, it is predicted to be benign by multiple in silico algorithms, and/or has population frequency not consistent with disease.

NM_012310.5(KIF4A):c.1489-5dup

Gene: KIF4A (kinesin family member 4A; plus strand). Cytogenetic location: Xq13.1.
Variant type: Duplication.
Coding change: c.1489-5dup on transcript NM_012310.5 (MANE Select); 5 bases into the intron before coding-DNA position 1489, one base duplicated (T; older notation c.1489-5dupT).
Molecular consequence: intron variant.
Genome position (GRCh38, 1-based): chrX:70,353,617, T duplicated; the last of 7 consecutive T bases (chrX:70,353,611-70,353,617); duplicating any one gives the same sequence. VCF-style (leftmost placement, unchanged base first): chrX-70353610-A-AT. GRCh37 (hg19) VCF-style: chrX-69573460-A-AT.
Other names: c.1489-5dupT (NM_012310.4).
Identifiers: ClinVar variation 508025 (VCV000508025.1), dbSNP rs1555949611, ClinGen allele CA657722373.